The following is an entry in ClinVar:

ClinVar aggregate classification (germline): Uncertain significance (1 of 4 stars; one submission).

Conditions:
Hereditary cancer-predisposing syndrome. Also called: Hereditary Cancer Syndrome; Neoplastic Syndromes, Hereditary; Tumor predisposition; Hereditary neoplastic syndrome. Identifiers: Orphanet 140162, MedGen C0027672, MeSH D009386, MONDO:0015356.

Submission:

Ambry Genetics
Classification: Uncertain significance for Hereditary cancer-predisposing syndrome. Last evaluated: 2026-07-03. Review status: criteria provided, single submitter. Criteria: Ambry Variant Classification Scheme 2023. Collection method: clinical testing. Allele origin: germline.
Comment: The p.I1119N variant (also known as c.3356T>A), located in coding exon 20 of the ALK gene, results from a T to A substitution at nucleotide position 3356. The isoleucine at codon 1119 is replaced by asparagine, an amino acid with dissimilar properties. This amino acid position is conserved. In addition, the in silico prediction for this alteration is inconclusive. Based on the available evidence, the clinical significance of this variant remains unclear.

NM_004304.5(ALK):c.3356T>A (p.Ile1119Asn)

Gene: ALK (ALK receptor tyrosine kinase; minus strand). Cytogenetic location: 2p23.2.
Variant type: single nucleotide variant.
Coding change: c.3356T>A on transcript NM_004304.5 (MANE Select); coding-DNA position 3356, T replaced by A.
Protein change: p.Ile1119Asn; replaces isoleucine 1119 with asparagine.
Molecular consequence: missense variant.
Genome position (GRCh38, 1-based): chr2:29,223,345, A>T on the plus strand (T>A on the coding strand, the complement: ALK is on the minus strand). VCF-style: chr2-29223345-A-T. GRCh37 (hg19) VCF-style: chr2-29446211-A-T.
Other names: c.152T>A, p.Ile51Asn (NM_001353765.2); short protein forms I1119N, I51N.
Identifiers: ClinVar variation 5035129 (VCV005035129.1).